The following is an entry in ClinVar:

NM_003108.4(SOX11):c.1074C>A (p.Ala358=)

Gene: SOX11 (SRY-box transcription factor 11; plus strand). Cytogenetic location: 2p25.2.
Variant type: single nucleotide variant.
Coding change: c.1074C>A on transcript NM_003108.4 (MANE Select); coding-DNA position 1074, C replaced by A.
Protein change: p.Ala358=; no amino-acid change (alanine 358 retained).
Molecular consequence: synonymous variant.
Genome position (GRCh38, 1-based): chr2:5,693,795, C>A. VCF-style: chr2-5693795-C-A. GRCh37 (hg19) VCF-style: chr2-5833927-C-A.
Identifiers: ClinVar variation 4700975 (VCV004700975.1).

ClinVar aggregate classification (germline): Uncertain significance (1 of 4 stars; one submission).

Submission:

Labcorp Genetics (formerly Invitae), Labcorp
Classification: Uncertain significance. Last evaluated: 2026-01-04. Review status: criteria provided, single submitter. Criteria: Invitae Variant Classification Sherloc (09022015). Collection method: clinical testing. Allele origin: germline.
Comment: This sequence change affects codon 358 of the SOX11 mRNA. It is a 'silent' change, meaning that it does not change the encoded amino acid sequence of the SOX11 protein. This variant is not present in population databases (gnomAD no frequency). This variant has not been reported in the literature in individuals affected with SOX11-related conditions. In summary, the available evidence is currently insufficient to determine the role of this variant in disease. Therefore, it has been classified as a Variant of Uncertain Significance.